The following is an entry in ClinVar:

ClinVar aggregate classification (germline): Pathogenic (1 of 4 stars; one submission).

Submission:

GeneDx
Classification: Pathogenic. Last evaluated: 2022-09-19. Review status: criteria provided, single submitter. Criteria: GeneDx Variant Classification Process June 2021. Collection method: clinical testing. Allele origin: germline. Affected: yes.
Comment: Frameshift variant predicted to result in protein truncation or nonsense mediated decay in a gene for which loss-of-function is a known mechanism of disease; Not observed at significant frequency in large population cohorts (gnomAD); Has not been previously published as pathogenic or benign to our knowledge

NM_001394372.1(BICRA):c.1999_2003dup (p.Gly669fs)

Gene: BICRA (BRD4 interacting chromatin remodeling complex associated protein; plus strand). Cytogenetic location: 19q13.33.
Variant type: Microsatellite.
Coding change: c.1999_2003dup on transcript NM_001394372.1 (MANE Select); coding-DNA positions 1999 to 2003, 5 bases duplicated (AGCCC; older notation c.1999_2003dupAGCCC).
Protein change: p.Gly669fs; shifts the reading frame from glycine 669.
Molecular consequence: frameshift variant.
Genome position (GRCh38, 1-based): chr19:47,681,169-47,681,173, AGCCC duplicated; duplicating any 5 consecutive bases within chr19:47,681,161-47,681,173 gives the same sequence; the c. name uses the placement nearest the transcript's 3' end. VCF-style (leftmost placement, unchanged base first): chr19-47681160-C-CCCCAG. GRCh37 (hg19) VCF-style: chr19-48184417-C-CCCCAG.
Other names: c.1999_2003dup, p.Gly669fs (NM_015711.3); short protein forms G669fs.
Identifiers: ClinVar variation 1706314 (VCV001706314.2), dbSNP rs2514111941, ClinGen allele CA2580614923.
Genomic context (GRCh38, chr19:47,681,160, plus strand): 5'-GCGCAGCAGCCCCCGCAGGCCCCCACCCCACAGGCCGCCGCCCCGCCTCAGGCCACCACC[C>CCCCAG]CCCAGCCCAGCCCTGGCCTGGCGTCTAGCCCGGAGAAGATCGTCCTGGGGCAGCCGCCCT-3'